The following is an entry in ClinVar:

NM_014285.7(EXOSC2):c.658A>G (p.Ile220Val)

Gene: EXOSC2 (exosome component 2; plus strand). Cytogenetic location: 9q34.12.
Variant type: single nucleotide variant.
Coding change: c.658A>G on transcript NM_014285.7 (MANE Select); coding-DNA position 658, A replaced by G.
Protein change: p.Ile220Val; replaces isoleucine 220 with valine.
Molecular consequence: missense variant. On other transcripts: non-coding transcript variant (1).
Genome position (GRCh38, 1-based): chr9:130,702,296, A>G. VCF-style: chr9-130702296-A-G. GRCh37 (hg19) VCF-style: chr9-133577683-A-G.
Other names: c.580A>G, p.Ile194Val (NM_001282708.1); c.568A>G, p.Ile190Val (NM_001282709.1); short protein forms I190V, I194V, I220V.
Identifiers: ClinVar variation 1381335 (VCV001381335.5), dbSNP rs751394088, ClinGen allele CA375248143.

ClinVar aggregate classification (germline): Uncertain significance (1 of 4 stars; one submission).

Allele frequency attached by ClinVar (database versions not stated): gnomAD 0.00001; TOPMed 0.00001.
gnomAD v4.1: 3 of 1,613,792 alleles (0.00019%); highest among the groups gnomAD compares: African/African-American, 0.0027%; no homozygotes.

Submission:

Labcorp Genetics (formerly Invitae), Labcorp
Classification: Uncertain significance. Last evaluated: 2021-09-01. Review status: criteria provided, single submitter. Criteria: Invitae Variant Classification Sherloc (09022015). Collection method: clinical testing. Allele origin: germline.
Comment: This sequence change replaces isoleucine with valine at codon 220 of the EXOSC2 protein (p.Ile220Val). The isoleucine residue is weakly conserved and there is a small physicochemical difference between isoleucine and valine. This variant is not present in population databases (ExAC no frequency). This variant has not been reported in the literature in individuals affected with EXOSC2-related conditions. Algorithms developed to predict the effect of missense changes on protein structure and function output the following: SIFT: "Tolerated"; PolyPhen-2: "Benign"; Align-GVGD: "Class C0". The valine amino acid residue is found in multiple mammalian species, which suggests that this missense change does not adversely affect protein function. In summary, the available evidence is currently insufficient to determine the role of this variant in disease. Therefore, it has been classified as a Variant of Uncertain Significance.